The following is an entry in ClinVar:

ClinVar aggregate classification (germline): Uncertain significance. Review status: criteria provided, multiple submitters, no conflicts (2 of 4 stars). 2 submissions from 2 submitters: Uncertain significance (2). Last evaluated 2025-12-16.

Conditions:
Arrhythmogenic right ventricular dysplasia 13. Also called: ARRHYTHMOGENIC RIGHT VENTRICULAR CARDIOMYOPATHY 13; Arrhythmogenic right ventricular dysplasia, familial, 13. Identifiers: MedGen C3810138, MONDO:0000908, OMIM 615616.

Allele frequency attached by ClinVar (database versions not stated): gnomAD exomes below 0.00001; TOPMed below 0.00001.
gnomAD v4.1: 1 of 1,613,820 alleles (0.000062%); highest among the groups gnomAD compares: Non-Finnish European, 0.000085%; no homozygotes.

Submissions (2):

Ambry Genetics
Classification: Uncertain significance. Last evaluated: 2025-12-16. Review status: criteria provided, single submitter. Criteria: Ambry Variant Classification Scheme 2023. Collection method: clinical testing. Allele origin: germline.
Comment: The p.L138I variant (also known as c.412C>A), located in coding exon 3 of the CTNNA3 gene, results from a C to A substitution at nucleotide position 412. The leucine at codon 138 is replaced by isoleucine, an amino acid with highly similar properties. This amino acid position is conserved. In addition, this alteration is predicted to be tolerated by in silico analysis. Based on the available evidence, the clinical significance of this variant remains unclear.

Labcorp Genetics (formerly Invitae), Labcorp
Classification: Uncertain significance for Arrhythmogenic right ventricular dysplasia 13. Last evaluated: 2024-04-17. Review status: criteria provided, single submitter. Criteria: Invitae Variant Classification Sherloc (09022015). Collection method: clinical testing. Allele origin: germline.
Comment: This sequence change replaces leucine, which is neutral and non-polar, with isoleucine, which is neutral and non-polar, at codon 138 of the CTNNA3 protein (p.Leu138Ile). This variant is not present in population databases (gnomAD no frequency). This variant has not been reported in the literature in individuals affected with CTNNA3-related conditions. ClinVar contains an entry for this variant (Variation ID: 409015). Advanced modeling of protein sequence and biophysical properties (such as structural, functional, and spatial information, amino acid conservation, physicochemical variation, residue mobility, and thermodynamic stability) performed at Invitae indicates that this missense variant is not expected to disrupt CTNNA3 protein function with a negative predictive value of 80%. In summary, the available evidence is currently insufficient to determine the role of this variant in disease. Therefore, it has been classified as a Variant of Uncertain Significance.

NM_013266.4(CTNNA3):c.412C>A (p.Leu138Ile)

Gene: CTNNA3 (catenin alpha 3; minus strand). Cytogenetic location: 10q21.3.
Variant type: single nucleotide variant.
Coding change: c.412C>A on transcript NM_013266.4 (MANE Select); coding-DNA position 412, C replaced by A.
Protein change: p.Leu138Ile; replaces leucine 138 with isoleucine.
Molecular consequence: missense variant.
Genome position (GRCh38, 1-based): chr10:67,539,550, G>T on the plus strand (C>A on the coding strand, the complement: CTNNA3 is on the minus strand). VCF-style: chr10-67539550-G-T. GRCh37 (hg19) VCF-style: chr10-69299308-G-T.
Other names: c.412C>A (NM_013266.2); c.412C>A, p.Leu138Ile (NM_001127384.3); c.448C>A, p.Leu150Ile (NM_001291133.2); short protein forms L138I, L150I.
Identifiers: ClinVar variation 409015 (VCV000409015.9), dbSNP rs899335202, ClinGen allele CA16612931.